The following is an entry in ClinVar:

NM_001048174.2(MUTYH):c.32G>A (p.Gly11Asp)

Gene: MUTYH (mutY DNA glycosylase; minus strand). Cytogenetic location: 1p34.1.
Variant type: single nucleotide variant.
Coding change: c.32G>A on transcript NM_001048174.2 (MANE Select); coding-DNA position 32, G replaced by A.
Protein change: p.Gly11Asp; replaces glycine 11 with aspartic acid.
Molecular consequence: missense variant. On other transcripts: 5 prime UTR variant (4), non-coding transcript variant (2).
Genome position (GRCh38, 1-based): chr1:45,334,474, C>T on the plus strand (G>A on the coding strand, the complement: MUTYH is on the minus strand). VCF-style: chr1-45334474-C-T. GRCh37 (hg19) VCF-style: chr1-45800146-C-T.
Other names: p.G25D:GGT>GAT; c.32G>A, p.Gly11Asp (NM_001048171.2, NM_001048172.2, NM_001048173.2 and 2 more transcripts); c.74G>A, p.Gly25Asp (NM_001128425.2, NM_001293190.2, NM_012222.3); c.-181G>A (NM_001293192.2, NM_001293196.2); c.-240G>A (NM_001350650.2); c.-176G>A (NM_001350651.2); short protein forms G25D, G11D.
Identifiers: ClinVar variation 41763 (VCV000041763.84), dbSNP rs75321043, ClinGen allele CA011829.

ClinVar aggregate classification (germline): Conflicting classifications of pathogenicity. Review status: criteria provided, conflicting classifications (1 of 4 stars). 22 submissions from 21 submitters: Uncertain significance (3); Benign (10); Likely benign (5). 4 of the submissions do not count toward it. Last evaluated 2026-02-04.

Conditions:
Hereditary cancer-predisposing syndrome. Also called: Tumor predisposition; Neoplastic Syndromes, Hereditary; Hereditary Cancer Syndrome; Hereditary neoplastic syndrome. Identifiers: Orphanet 140162, MedGen C0027672, MeSH D009386, MONDO:0015356.
Carcinoma of colon (CRC). Also called: Colonic carcinoma; Colon carcinoma. Identifiers: MedGen C0699790, MONDO:0002032.
Familial adenomatous polyposis 2. Also called: MUTYH Polyposis; FAP type 2; MUTYH-associated polyposis; MUTYH-related attenuated familial adenomatous polyposis; MYH-associated polyposis; Adenomas, multiple colorectal. Identifiers: Orphanet 220460, Orphanet 247798, MedGen C3272841, MONDO:0012041, OMIM 608456.

Allele frequency attached by ClinVar (database versions not stated): gnomAD exomes 0.00107 and 0.00042; ExAC 0.00111; 1000 Genomes Project 0.00180; 1000 Genomes Project 30x 0.00187; gnomAD 0.00044 and 0.00059; TOPMed 0.00081.
gnomAD v4.1: 712 of 1,614,126 alleles (0.044%); highest among the groups gnomAD compares: East Asian, 1.1%; 7 homozygotes.

Submissions 1 to 21 of 25:

Labcorp Genetics (formerly Invitae), Labcorp
Classification: Benign for Familial adenomatous polyposis 2. Last evaluated: 2026-02-04. Review status: criteria provided, single submitter. Criteria: Invitae Variant Classification Sherloc (09022015). Collection method: clinical testing. Allele origin: germline.

Quest Diagnostics Nichols Institute San Juan Capistrano
Classification: Likely benign. Last evaluated: 2025-07-18. Review status: criteria provided, single submitter. Criteria: Quest Diagnostics criteria. Collection method: clinical testing. Allele origin: unknown.

Mayo Clinic Laboratories, Mayo Clinic
Classification: Likely benign. Last evaluated: 2025-03-12. Review status: criteria provided, single submitter. Criteria: ACMG Guidelines, 2015. Collection method: clinical testing. Allele origin: germline. Observed: 2 variant alleles.
Comment: BS1, BP4_moderate

Center for Genomic Medicine, Rigshospitalet, Copenhagen University Hospital
Classification: Uncertain significance. Last evaluated: 2025-03-04. Review status: criteria provided, single submitter. Criteria: ACMG Guidelines, 2015. Collection method: clinical testing. Allele origin: germline.

CeGaT Center for Human Genetics Tuebingen
Classification: Benign. Last evaluated: 2024-08-01. Review status: criteria provided, single submitter. Criteria: CeGaT Center For Human Genetics Tuebingen Variant Classification Criteria Version 2. Collection method: clinical testing. Allele origin: germline. Affected: yes. Observed: 3 variant alleles.
Comment: MUTYH: BS1, BS2

Blueprint Genetics
Classification: Likely benign. Last evaluated: 2024-07-10. Review status: criteria provided, single submitter. Criteria: ACMG Guidelines, 2015. Collection method: clinical testing. Allele origin: germline.

ARUP Laboratories, Molecular Genetics and Genomics, ARUP Laboratories
Classification: Benign. Last evaluated: 2023-04-28. Review status: criteria provided, single submitter. Criteria: ARUP Molecular Germline Variant Investigation Process 2024. Collection method: clinical testing. Allele origin: germline.

GeneDx
Classification: Likely benign. Last evaluated: 2021-06-11. Review status: criteria provided, single submitter. Criteria: GeneDx Variant Classification Process June 2021. Collection method: clinical testing. Allele origin: germline. Affected: yes.
Comment: This variant is associated with the following publications: (PMID: 18422726, 22641385, 22703879, 11295288, 17252231, 30333958, 29879026, 18811933, 16929514, 25820570, 26684191, 26900293, 25980754, 27443514, 26332594, 24728327, 17703316, 27600092, 29330641, 29667044)

Sema4
Classification: Benign for Hereditary cancer-predisposing syndrome. Last evaluated: 2020-08-18. Review status: criteria provided, single submitter. Criteria: Sema4 Curation Guidelines. Collection method: curation. Allele origin: germline.

Mendelics
Classification: Benign for Familial adenomatous polyposis 2. Last evaluated: 2019-05-28. Review status: criteria provided, single submitter. Criteria: Mendelics Assertion Criteria 2017. Collection method: clinical testing. Allele origin: unknown.

Department of Pathology and Laboratory Medicine, Sinai Health System
Classification: Likely benign for Familial adenomatous polyposis 2. Last evaluated: 2019-04-01. Review status: criteria provided, single submitter. Criteria: ACMG Guidelines, 2015. Collection method: research. Allele origin: germline.

Women's Health and Genetics/Laboratory Corporation of America, LabCorp
Classification: Benign. Last evaluated: 2017-08-21. Review status: criteria provided, single submitter. Criteria: LabCorp Variant Classification Summary - May 2015. Collection method: clinical testing. Allele origin: germline.
Comment: Variant summary: The MUTYH c.74G>A (p.Gly25Asp) variant causes a missense change involving the alteration of a non-conserved nucleotide. 3/4 in silico tools predict a benign outcome for this variant (SNPsandGO not captured due to low reliability index). This variant was found in the large and broad cohorts of the ExAC project at an allele frequency of 0.001112 (135/121410 chrs tested), predominantly observed in the East Asian subpopulation (0.013; 114/8654 chrs, including 2 homozygotes). This frequency is about 3 times the estimated maximal expected allele frequency of a pathogenic MUTYH variant (0.0045644), suggesting this is likely a benign polymorphism found primarily in the populations of East Asian origin. Most of the published reports indicate that c.74G>A co-occurs in cis with c.53C>T (P18L). Although c.[53C>T; 74G>A] haplotype has been reported to be enriched in sporadic CRC pts compared to controls (Chen, 2008), in functional studies both the complex allele and its compounds were shown to retain complementation ability and were considered to be functionally neutral. In addition, several reported CRC pts carried known pathogenic variants (APC c.3595_3596delAA (p.Lys1199Glufs), MSH6 c.3724_3726del (p.Arg1242del) , that could have explain CRC phenotype in these families (Taki, 2016, Ring, 2012). Lastly, several reputable databases/diagnostic centers classified the variant of interest as VUS/ Benign. Taking together, by applying ACMG rules, the variant was classified as Benign.

PreventionGenetics, part of Exact Sciences
Classification: Benign. Last evaluated: 2017-08-02. Review status: criteria provided, single submitter. Criteria: ACMG Guidelines, 2015. Collection method: clinical testing. Allele origin: germline.

Illumina Laboratory Services, Illumina
Classification: Uncertain significance for Familial adenomatous polyposis 2. Last evaluated: 2017-04-27. Review status: criteria provided, single submitter. Criteria: ICSL Variant Classification Criteria 13 December 2019. Collection method: clinical testing. Allele origin: germline.

Ambry Genetics
Classification: Benign for Hereditary cancer-predisposing syndrome. Last evaluated: 2017-04-03. Review status: criteria provided, single submitter. Criteria: Ambry Variant Classification Scheme 2023. Collection method: clinical testing. Allele origin: germline.

Color Diagnostics, LLC DBA Color Health
Classification: Benign for Hereditary cancer-predisposing syndrome. Last evaluated: 2016-06-14. Review status: criteria provided, single submitter. Criteria: ACMG Guidelines, 2015. Collection method: clinical testing. Allele origin: germline.

Laboratory for Molecular Medicine, Mass General Brigham Personalized Medicine
Classification: Benign. Last evaluated: 2016-03-29. Review status: criteria provided, single submitter. Criteria: LMM Criteria. Collection method: clinical testing. Allele origin: germline.
Comment: Variant identified in a genome or exome case(s) and assessed due to predicted null impact of the variant or pathogenic assertions in the literature or databases. Disclaimer: This variant has not undergone full assessment. The following are preliminary notes: ExAC: 1.3% (114/8654) East Asian chromosomes; ClinVar: 4 labs classify as VUS

Soonchunhyang University Bucheon Hospital, Soonchunhyang University Medical Center
Classification: Uncertain significance for Familial adenomatous polyposis 2. Last evaluated: 2016-03-18. Review status: criteria provided, single submitter. Criteria: ACMG Guidelines, 2015. Collection method: reference population. Allele origin: germline. Observed: 4 variant alleles.

Counsyl
Classification: Uncertain significance for Familial adenomatous polyposis 2. Last evaluated: 2017-11-13. Review status: no assertion criteria provided. Collection method: clinical testing. Allele origin: unknown. Not counted in ClinVar's aggregate classification.

ITMI
No classification provided. Condition: AllHighlyPenetrant. Last evaluated: 2013-09-19. Review status: no classification provided. Collection method: reference population. Allele origin: germline. Not counted in ClinVar's aggregate classification.
Comment: Please see associated publication for description of ethnicities

Biesecker Lab/Clinical Genomics Section, National Institutes of Health
Classification: Uncertain significance. Last evaluated: 2012-07-13. Review status: no assertion criteria provided. Collection method: research. Allele origin: germline. Affected: no. Observed: 1 variant allele. Study: ClinSeq. Not counted in ClinVar's aggregate classification.
ClinVar note: Converted during submission from variant of unknown significance to Uncertain significance.